The following is an entry in ClinVar:

NM_020163.3(SEMA3G):c.471C>T (p.His157=)

Gene: SEMA3G (semaphorin 3G; minus strand). Cytogenetic location: 3p21.1.
Variant type: single nucleotide variant.
Coding change: c.471C>T on transcript NM_020163.3 (MANE Select); coding-DNA position 471, C replaced by T.
Protein change: p.His157=; no amino-acid change (histidine 157 retained).
Molecular consequence: synonymous variant.
Genome position (GRCh38, 1-based): chr3:52,441,898, G>A on the plus strand (C>T on the coding strand, the complement: SEMA3G is on the minus strand). VCF-style: chr3-52441898-G-A. GRCh37 (hg19) VCF-style: chr3-52475914-G-A.
Identifiers: ClinVar variation 3354351 (VCV003354351.1).

ClinVar aggregate classification (germline): Likely benign (0 of 4 stars; one submission).

Conditions:
SEMA3G-related disorder. Also called: SEMA3G-related condition.

gnomAD v4.1: 8 of 1,572,930 alleles (0.00051%); highest among the groups gnomAD compares: Non-Finnish European, 0.00069%; no homozygotes.

Submission:

PreventionGenetics, part of Exact Sciences
Classification: Likely benign for SEMA3G-related condition. Last evaluated: 2022-05-31. Review status: no assertion criteria provided. Collection method: clinical testing. Allele origin: germline.
Comment: This variant is classified as likely benign based on ACMG/AMP sequence variant interpretation guidelines (Richards et al. 2015 PMID: 25741868, with internal and published modifications).